The following is an entry in ClinVar:

NM_001283009.2(RTEL1):c.2704G>T (p.Ala902Ser)

Genes: RTEL1 (regulator of telomere elongation helicase 1; plus strand), RTEL1-TNFRSF6B (RTEL1-TNFRSF6B readthrough (NMD candidate); plus strand). Cytogenetic location: 20q13.33.
Variant type: single nucleotide variant.
Coding change: c.2704G>T on transcript NM_001283009.2 (MANE Select); coding-DNA position 2704, G replaced by T.
Protein change: p.Ala902Ser; replaces alanine 902 with serine.
Molecular consequence: missense variant. On other transcripts: non-coding transcript variant (1).
Genome position (GRCh38, 1-based): chr20:63,692,856, G>T. VCF-style: chr20-63692856-G-T. GRCh37 (hg19) VCF-style: chr20-62324209-G-T.
Other names: c.2035G>T, p.Ala679Ser (NM_001283010.1); c.2704G>T, p.Ala902Ser (NM_016434.4); c.2776G>T, p.Ala926Ser (NM_032957.5); short protein forms A679S, A902S, A926S.
Identifiers: ClinVar variation 3791115 (VCV003791115.1).

ClinVar aggregate classification (germline): Uncertain significance (1 of 4 stars; one submission).

Conditions:
Inborn genetic diseases. Identifiers: MedGen C0950123, MeSH D030342.

Submission:

Ambry Genetics
Classification: Uncertain significance for Inborn genetic diseases. Last evaluated: 2025-02-03. Review status: criteria provided, single submitter. Criteria: Ambry Variant Classification Scheme 2023. Collection method: clinical testing. Allele origin: germline.
Comment: The p.A902S variant (also known as c.2704G>T), located in coding exon 28 of the RTEL1 gene, results from a G to T substitution at nucleotide position 2704. The alanine at codon 902 is replaced by serine, an amino acid with similar properties. This amino acid position is conserved. In addition, this alteration is predicted to be tolerated by in silico analysis. Based on the available evidence, the clinical significance of this variant remains unclear.